The following is an entry in ClinVar:

NM_001010867.4(IBA57):c.110G>T (p.Ser37Ile)

Gene: IBA57 (iron-sulfur cluster assembly factor IBA57; plus strand). Cytogenetic location: 1q42.13.
Variant type: single nucleotide variant.
Coding change: c.110G>T on transcript NM_001010867.4 (MANE Select); coding-DNA position 110, G replaced by T.
Protein change: p.Ser37Ile; replaces serine 37 with isoleucine.
Molecular consequence: missense variant.
Genome position (GRCh38, 1-based): chr1:228,165,926, G>T. VCF-style: chr1-228165926-G-T. GRCh37 (hg19) VCF-style: chr1-228353627-G-T.
Other names: short protein forms S37I.
Identifiers: ClinVar variation 3754562 (VCV003754562.2).

ClinVar aggregate classification (germline): Uncertain significance (1 of 4 stars; one submission).

Conditions:
Multiple mitochondrial dysfunctions syndrome 3 (MMDS3). Identifiers: Orphanet 363424, MedGen C3809165, MONDO:0014132, OMIM 615330.
Hereditary spastic paraplegia 74. Also called: Spastic paraplegia 74, autosomal recessive. Identifiers: Orphanet 468661, MedGen C5568837, MONDO:0014644, OMIM 616451.

Submission:

Labcorp Genetics (formerly Invitae), Labcorp
Classification: Uncertain significance for Multiple mitochondrial dysfunctions syndrome 3; Hereditary spastic paraplegia 74. Last evaluated: 2024-11-05. Review status: criteria provided, single submitter. Criteria: Invitae Variant Classification Sherloc (09022015). Collection method: clinical testing. Allele origin: germline.
Comment: This sequence change replaces serine, which is neutral and polar, with isoleucine, which is neutral and non-polar, at codon 37 of the IBA57 protein (p.Ser37Ile). This variant is not present in population databases (gnomAD no frequency). This variant has not been reported in the literature in individuals affected with IBA57-related conditions. Invitae Evidence Modeling of protein sequence and biophysical properties (such as structural, functional, and spatial information, amino acid conservation, physicochemical variation, residue mobility, and thermodynamic stability) indicates that this missense variant is not expected to disrupt IBA57 protein function with a negative predictive value of 80%. In summary, the available evidence is currently insufficient to determine the role of this variant in disease. Therefore, it has been classified as a Variant of Uncertain Significance.